The following is an entry in ClinVar:

NM_004985.5(KRAS):c.158T>G (p.Leu53Trp)

Gene: KRAS (KRas proto-oncogene, GTPase; minus strand). Cytogenetic location: 12p12.1.
Variant type: single nucleotide variant.
Coding change: c.158T>G on transcript NM_004985.5 (MANE Select); coding-DNA position 158, T replaced by G.
Protein change: p.Leu53Trp; replaces leucine 53 with tryptophan.
Molecular consequence: missense variant.
Genome position (GRCh38, 1-based): chr12:25,227,366, A>C on the plus strand (T>G on the coding strand, the complement: KRAS is on the minus strand). VCF-style: chr12-25227366-A-C. GRCh37 (hg19) VCF-style: chr12-25380300-A-C.
Other names: c.158T>G, p.Leu53Trp (NM_001369786.1, NM_001369787.1, NM_033360.4); short protein forms L53W.
Identifiers: ClinVar variation 3775823 (VCV003775823.3).

ClinVar aggregate classification (germline): Likely pathogenic. Review status: criteria provided, multiple submitters, no conflicts (2 of 4 stars). 2 submissions from 2 submitters: Likely pathogenic (2). Last evaluated 2025-02-26.

Conditions:
KRAS-related disorder. Also called: KRAS-related disorders; KRAS-related condition.
Noonan syndrome 3 (NS3). Also called: KRAS-Related Noonan Syndrome. Identifiers: Orphanet 648, MedGen C1860991, MONDO:0012371, OMIM 609942.

Submissions (2):

3billion
Classification: Likely pathogenic for Noonan syndrome 3. Last evaluated: 2025-02-26. Review status: criteria provided, single submitter. Criteria: ACMG Guidelines, 2015. Collection method: clinical testing. Allele origin: germline. Affected: yes.
Comment: The variant is not observed in the gnomAD v4.1.0 dataset. Predicted Consequence/Location: Missense variant. Missense changes are a common disease-causing mechanism. In silico tool predictions suggest damaging effect of the variant on gene or gene product [REVEL: 0.86 (>=0.6, sensitivity 0.68 and specificity 0.92); 3Cnet: 0.99 (> 0.75, sensitivity 0.96 and precision 0.92)]. The same nucleotide change resulting in the same amino acid change has been previously reported to be associated with KRAS-related disorder (PMID: 28957739 /3billion dataset). The variant has been previously reported as de novo in a similarly affected individual (PMID: 28957739). Therefore, this variant is classified as Likely pathogenic according to the recommendation of ACMG/AMP guideline.

Blueprint Genetics
Classification: Likely pathogenic for KRAS-related disorders. Last evaluated: 2023-08-04. Review status: criteria provided, single submitter. Criteria: ACMG Guidelines, 2015. Collection method: clinical testing. Allele origin: germline. Affected: yes. Observed: 1 variant allele.

Literature cited by the submitters: PubMed 28957739 (cited by 3billion).